The following is an entry in ClinVar:

NM_007294.4(BRCA1):c.428A>G (p.Glu143Gly)

Gene: BRCA1 (BRCA1 DNA repair associated; minus strand). Cytogenetic location: 17q21.31.
Variant type: single nucleotide variant.
Coding change: c.428A>G on transcript NM_007294.4 (MANE Select); coding-DNA position 428, A replaced by G.
Protein change: p.Glu143Gly; replaces glutamic acid 143 with glycine.
Molecular consequence: missense variant. On other transcripts: non-coding transcript variant (1).
Genome position (GRCh38, 1-based): chr17:43,104,135, T>C on the plus strand (A>G on the coding strand, the complement: BRCA1 is on the minus strand). VCF-style: chr17-43104135-T-C. GRCh37 (hg19) VCF-style: chr17-41256152-T-C.
Other names: c.428A>G, p.Glu143Gly (NM_001408422.1, NM_001408423.1, NM_001408424.1 and 165 more transcripts); c.296A>G, p.Glu99Gly (NM_001408451.1); c.287A>G, p.Glu96Gly (NM_001408452.1, NM_001408453.1, NM_001408454.1 and 99 more transcripts); c.350A>G, p.Glu117Gly (NM_001408474.1, NM_001408475.1, NM_001408476.1 and 21 more transcripts); c.218A>G, p.Glu73Gly (NM_001408478.1, NM_001408479.1, NM_001408480.1 and 58 more transcripts); c.47A>G, p.Glu16Gly (NM_001408510.1, NM_001408512.1, NM_001407959.1 and 4 more transcripts); c.419A>G, p.Glu140Gly (NM_001407646.1, NM_001407647.1, NM_001408408.1); short protein forms E143G, E96G, E117G, E140G, E16G, E73G, E99G.
Identifiers: ClinVar variation 1044896 (VCV001044896.10), dbSNP rs2054618893, ClinGen allele CA10601293.

ClinVar aggregate classification (germline): Uncertain significance (1 of 4 stars; one submission).

Conditions:
Hereditary breast ovarian cancer syndrome. Also called: Hereditary breast and/or ovarian cancer syndrome; Hereditary breast and ovarian cancer syndrome; Hereditary breast and ovarian cancer syndrome (HBOC); Breast and ovarian cancer; Hereditary breast and ovarian cancer; BRCA1- and BRCA2-Associated Hereditary Breast and Ovarian Cancer. Identifiers: Orphanet 145, MedGen C0677776, MeSH D061325, MONDO:0003582. Disease mechanism: loss of function.

Allele frequency attached by ClinVar (database versions not stated): gnomAD exomes below 0.00001.
gnomAD v4.1: 1 of 1,613,780 alleles (0.000062%); highest among the groups gnomAD compares: South Asian, 0.0011%; no homozygotes.

Submission:

Labcorp Genetics (formerly Invitae), Labcorp
Classification: Uncertain significance for Hereditary breast ovarian cancer syndrome. Last evaluated: 2025-12-03. Review status: criteria provided, single submitter. Criteria: Invitae Variant Classification Sherloc (09022015). Collection method: clinical testing. Allele origin: germline.
Comment: This sequence change replaces glutamic acid, which is acidic and polar, with glycine, which is neutral and non-polar, at codon 143 of the BRCA1 protein (p.Glu143Gly). This variant is not present in population databases (gnomAD no frequency). This variant has not been reported in the literature in individuals affected with BRCA1-related conditions. ClinVar contains an entry for this variant (Variation ID: 1044896). Invitae Evidence Modeling of protein sequence and biophysical properties (such as structural, functional, and spatial information, amino acid conservation, physicochemical variation, residue mobility, and thermodynamic stability) indicates that this missense variant is not expected to disrupt BRCA1 protein function with a negative predictive value of 80%. In summary, the available evidence is currently insufficient to determine the role of this variant in disease. Therefore, it has been classified as a Variant of Uncertain Significance.